The following is an entry in ClinVar:

NM_001244008.2(KIF1A):c.5270C>T (p.Ala1757Val)

Gene: KIF1A (kinesin family member 1A; minus strand). Cytogenetic location: 2q37.3.
Variant type: single nucleotide variant.
Coding change: c.5270C>T on transcript NM_001244008.2 (MANE Select); coding-DNA position 5270, C replaced by T.
Protein change: p.Ala1757Val; replaces alanine 1757 with valine.
Molecular consequence: missense variant.
Genome position (GRCh38, 1-based): chr2:240,718,113, G>A on the plus strand (C>T on the coding strand, the complement: KIF1A is on the minus strand). VCF-style: chr2-240718113-G-A. GRCh37 (hg19) VCF-style: chr2-241657530-G-A.
Other names: c.4994C>T, p.Ala1665Val (NM_001320705.2, NM_001379649.1); c.5021C>T, p.Ala1674Val (NM_001330289.2); c.5069C>T, p.Ala1690Val (NM_001330290.2, NM_001379648.1); c.5345C>T, p.Ala1782Val (NM_001379631.1); c.5246C>T, p.Ala1749Val (NM_001379632.1); c.5243C>T, p.Ala1748Val (NM_001379633.1, NM_001379645.1); c.5096C>T, p.Ala1699Val (NM_001379634.1); c.5093C>T, p.Ala1698Val (NM_001379635.1, NM_001379646.1); and 8 more; short protein forms A1656V, A1674V, A1699V, A1655V, A1664V, A1665V, A1673V, A1782V.
Identifiers: ClinVar variation 1392494 (VCV001392494.6), dbSNP rs1188467783, ClinGen allele CA351297495.

ClinVar aggregate classification (germline): Uncertain significance (1 of 4 stars; one submission).

Conditions:
Hereditary spastic paraplegia 30. Identifiers: Orphanet 101010, MedGen C5235139, MONDO:0012476.
Neuropathy, hereditary sensory, type 2C. Also called: Hereditary sensory and autonomic neuropathy type IIC; KIF1A-Related HSAN2 (HSAN2C). Identifiers: Orphanet 970, MedGen C3280168, MONDO:0013634, OMIM 614213.
Intellectual disability, autosomal dominant 9 (NESCAVS). Also called: NESCAV SYNDROME; KIF1A-Related Neurodevelopmental Disorder. Identifiers: Orphanet 662367, MedGen C5393830, MONDO:0013656, OMIM 614255.

Allele frequency attached by ClinVar (database versions not stated): gnomAD exomes below 0.00001.
gnomAD v4.1: 1 of 1,611,668 alleles (0.000062%); highest among the groups gnomAD compares: Middle Eastern, 0.017%; no homozygotes.

Submission:

Labcorp Genetics (formerly Invitae), Labcorp
Classification: Uncertain significance for Hereditary spastic paraplegia 30; Neuropathy, hereditary sensory, type 2C; Intellectual disability, autosomal dominant 9. Last evaluated: 2021-12-25. Review status: criteria provided, single submitter. Criteria: Invitae Variant Classification Sherloc (09022015). Collection method: clinical testing. Allele origin: germline.
Comment: In summary, the available evidence is currently insufficient to determine the role of this variant in disease. Therefore, it has been classified as a Variant of Uncertain Significance. This sequence change replaces alanine, which is neutral and non-polar, with valine, which is neutral and non-polar, at codon 1656 of the KIF1A protein (p.Ala1656Val). This variant is not present in population databases (gnomAD no frequency). This variant has not been reported in the literature in individuals affected with KIF1A-related conditions. Advanced modeling of protein sequence and biophysical properties (such as structural, functional, and spatial information, amino acid conservation, physicochemical variation, residue mobility, and thermodynamic stability) performed at Invitae indicates that this missense variant is not expected to disrupt KIF1A protein function.